The following is an entry in ClinVar:

ClinVar aggregate classification (germline): Likely benign (0 of 4 stars; one submission).

Conditions:
NRXN3-related disorder. Also called: NRXN3-related condition.

Allele frequency attached by ClinVar (database versions not stated): ESP Exome Variant Server 0.00008; 1000 Genomes Project 30x 0.00016; 1000 Genomes Project 0.00020.
gnomAD v4.1: 229 of 1,613,614 alleles (0.014%); highest among the groups gnomAD compares: South Asian, 0.2%; 1 homozygote.

Submission:

PreventionGenetics, part of Exact Sciences
Classification: Likely benign for NRXN3-related condition. Last evaluated: 2019-04-08. Review status: no assertion criteria provided. Collection method: clinical testing. Allele origin: germline.
Comment: This variant is classified as likely benign based on ACMG/AMP sequence variant interpretation guidelines (Richards et al. 2015 PMID: 25741868, with internal and published modifications).

NM_001330195.2(NRXN3):c.2871C>T (p.Val957=)

Gene: NRXN3 (neurexin 3; plus strand). Cytogenetic location: 14q31.1.
Variant type: single nucleotide variant.
Coding change: c.2871C>T on transcript NM_001330195.2 (MANE Select); coding-DNA position 2871, C replaced by T.
Protein change: p.Val957=; no amino-acid change (valine 957 retained).
Molecular consequence: synonymous variant. On other transcripts: non-coding transcript variant (4).
Genome position (GRCh38, 1-based): chr14:78,967,301, C>T. VCF-style: chr14-78967301-C-T. GRCh37 (hg19) VCF-style: chr14-79433644-C-T.
Other names: c.2871C>T, p.Val957= (NM_001366425.1); c.2883C>T, p.Val961= (NM_001366426.1); c.1752C>T, p.Val584= (NM_004796.6).
Identifiers: ClinVar variation 3058811 (VCV003058811.2), dbSNP rs374407933, ClinGen allele CA7292025.